The following is an entry in ClinVar:

ClinVar aggregate classification (germline): Uncertain significance (1 of 4 stars; one submission).

Submission:

Labcorp Genetics (formerly Invitae), Labcorp
Classification: Uncertain significance. Last evaluated: 2021-12-02. Review status: criteria provided, single submitter. Criteria: Invitae Variant Classification Sherloc (09022015). Collection method: clinical testing. Allele origin: germline.
Comment: In summary, the available evidence is currently insufficient to determine the role of this variant in disease. Therefore, it has been classified as a Variant of Uncertain Significance. Algorithms developed to predict the effect of missense changes on protein structure and function (SIFT, PolyPhen-2, Align-GVGD) all suggest that this variant is likely to be disruptive. This variant has not been reported in the literature in individuals affected with STIL-related conditions. This variant is not present in population databases (gnomAD no frequency). This sequence change replaces glycine, which is neutral and non-polar, with arginine, which is basic and polar, at codon 40 of the STIL protein (p.Gly40Arg).

NM_001048166.1(STIL):c.118G>A (p.Gly40Arg)

Gene: STIL (STIL centriolar assembly protein; minus strand). Cytogenetic location: 1p33.
Variant type: single nucleotide variant.
Coding change: c.118G>A on transcript NM_001048166.1 (MANE Select); coding-DNA position 118, G replaced by A.
Protein change: p.Gly40Arg; replaces glycine 40 with arginine.
Molecular consequence: missense variant.
Genome position (GRCh38, 1-based): chr1:47,304,923, C>T on the plus strand (G>A on the coding strand, the complement: STIL is on the minus strand). VCF-style: chr1-47304923-C-T. GRCh37 (hg19) VCF-style: chr1-47770595-C-T.
Other names: c.118G>A, p.Gly40Arg (NM_001282936.1, NM_001282937.1, NM_001282938.1 and 3 more transcripts); short protein forms G40R.
Identifiers: ClinVar variation 2026980 (VCV002026980.4), dbSNP rs1645909245, ClinGen allele CA340257439.